The following is an entry in ClinVar:

NM_024915.4(GRHL2):c.775C>T (p.Arg259Cys)

Gene: GRHL2 (grainyhead like transcription factor 2; plus strand). Cytogenetic location: 8q22.3.
Variant type: single nucleotide variant.
Coding change: c.775C>T on transcript NM_024915.4 (MANE Select); coding-DNA position 775, C replaced by T.
Protein change: p.Arg259Cys; replaces arginine 259 with cysteine.
Molecular consequence: missense variant.
Genome position (GRCh38, 1-based): chr8:101,573,708, C>T. VCF-style: chr8-101573708-C-T. GRCh37 (hg19) VCF-style: chr8-102585936-C-T.
Other names: c.727C>T, p.Arg243Cys (NM_001330593.2); c.775C>T (NM_024915.3); short protein forms R259C, R243C.
Identifiers: ClinVar variation 2159970 (VCV002159970.5), dbSNP rs923030287, ClinGen allele CA182750205.

ClinVar aggregate classification (germline): Uncertain significance. Review status: criteria provided, multiple submitters, no conflicts (2 of 4 stars). 2 submissions from 2 submitters: Uncertain significance (2). Last evaluated 2026-02-25.

Conditions:
GRHL2-related disorder. Also called: GRHL2-related condition; GRHL2-related disorders.

Allele frequency attached by ClinVar (database versions not stated): gnomAD 0.00001; TOPMed 0.00002; gnomAD exomes 0.00004.
gnomAD v4.1: 57 of 1,614,024 alleles (0.0035%); highest among the groups gnomAD compares: South Asian, 0.0044%; no homozygotes.

Submissions (2):

PreventionGenetics, part of Exact Sciences
Classification: Uncertain significance for GRHL2-related condition. Last evaluated: 2026-02-25. Review status: criteria provided, single submitter. Criteria: ACMG Guidelines, 2015. Collection method: clinical testing. Allele origin: germline.
Comment: The GRHL2 c.775C>T variant is predicted to result in the amino acid substitution p.Arg259Cys. This variant was reported in an individual with developmental and epileptic encephalopathy, although a potentially causative variant in another gene was also present (Supplementary Data 4, Takata et al. 2019. PubMed ID: 31175295). This variant is reported in 0.014% of alleles in individuals of European (Finnish) descent in gnomAD. At this time, the clinical significance of this variant is uncertain due to the absence of conclusive functional and genetic evidence.

Labcorp Genetics (formerly Invitae), Labcorp
Classification: Uncertain significance. Last evaluated: 2024-11-11. Review status: criteria provided, single submitter. Criteria: Invitae Variant Classification Sherloc (09022015). Collection method: clinical testing. Allele origin: germline.
Comment: This sequence change replaces arginine, which is basic and polar, with cysteine, which is neutral and slightly polar, at codon 259 of the GRHL2 protein (p.Arg259Cys). This variant is present in population databases (no rsID available, gnomAD 0.01%). This variant has not been reported in the literature in individuals affected with GRHL2-related conditions. ClinVar contains an entry for this variant (Variation ID: 2159970). Invitae Evidence Modeling of protein sequence and biophysical properties (such as structural, functional, and spatial information, amino acid conservation, physicochemical variation, residue mobility, and thermodynamic stability) indicates that this missense variant is expected to disrupt GRHL2 protein function with a positive predictive value of 80%. In summary, the available evidence is currently insufficient to determine the role of this variant in disease. Therefore, it has been classified as a Variant of Uncertain Significance.